The following is an entry in ClinVar:

ClinVar aggregate classification (germline): Uncertain significance. Review status: criteria provided, multiple submitters, no conflicts (2 of 4 stars). 2 submissions from 2 submitters: Uncertain significance (2). Last evaluated 2025-04-01.

Conditions:
Inborn genetic diseases. Identifiers: MedGen C0950123, MeSH D030342.

gnomAD v4.1: 30 of 1,614,166 alleles (0.0019%); highest among the groups gnomAD compares: Middle Eastern, 0.016%; no homozygotes.

Submissions (2):

Ambry Genetics
Classification: Uncertain significance for Inborn genetic diseases. Last evaluated: 2025-04-01. Review status: criteria provided, single submitter. Criteria: Ambry Variant Classification Scheme 2023. Collection method: clinical testing. Allele origin: germline.

GeneDx
Classification: Uncertain significance. Last evaluated: 2024-02-13. Review status: criteria provided, single submitter. Criteria: GeneDx Variant Classification Process June 2021. Collection method: clinical testing. Allele origin: germline. Affected: yes.
Comment: In silico analysis supports that this missense variant does not alter protein structure/function; Has not been previously published as pathogenic or benign to our knowledge

NM_005559.4(LAMA1):c.2965G>A (p.Ala989Thr)

Gene: LAMA1 (laminin subunit alpha 1; minus strand). Cytogenetic location: 18p11.31.
Variant type: single nucleotide variant.
Coding change: c.2965G>A on transcript NM_005559.4 (MANE Select); coding-DNA position 2965, G replaced by A.
Protein change: p.Ala989Thr; replaces alanine 989 with threonine.
Molecular consequence: missense variant.
Genome position (GRCh38, 1-based): chr18:7,016,515, C>T on the plus strand (G>A on the coding strand, the complement: LAMA1 is on the minus strand). VCF-style: chr18-7016515-C-T. GRCh37 (hg19) VCF-style: chr18-7016514-C-T.
Other names: short protein forms A989T.
Identifiers: ClinVar variation 3338698 (VCV003338698.2).